The following is an entry in ClinVar:

ClinVar aggregate classification (germline): Uncertain significance (1 of 4 stars; one submission).

Submission:

GeneDx
Classification: Uncertain significance. Last evaluated: 2024-12-05. Review status: criteria provided, single submitter. Criteria: GeneDx Variant Classification Process June 2021. Collection method: clinical testing. Allele origin: germline.
Comment: Not observed at significant frequency in large population cohorts (gnomAD); In silico analysis supports that this missense variant has a deleterious effect on protein structure/function; Has not been previously published as pathogenic or benign to our knowledge

NM_018263.6(ASXL2):c.2060G>A (p.Gly687Glu)

Gene: ASXL2 (ASXL transcriptional regulator 2; minus strand). Cytogenetic location: 2p23.3.
Variant type: single nucleotide variant.
Coding change: c.2060G>A on transcript NM_018263.6 (MANE Select); coding-DNA position 2060, G replaced by A.
Protein change: p.Gly687Glu; replaces glycine 687 with glutamic acid.
Molecular consequence: missense variant.
Genome position (GRCh38, 1-based): chr2:25,744,277, C>T on the plus strand (G>A on the coding strand, the complement: ASXL2 is on the minus strand). VCF-style: chr2-25744277-C-T. GRCh37 (hg19) VCF-style: chr2-25967146-C-T.
Other names: c.1886G>A, p.Gly629Glu (NM_001369346.1); c.1280G>A, p.Gly427Glu (NM_001369347.1); short protein forms G427E, G629E, G687E.
Identifiers: ClinVar variation 1800702 (VCV001800702.2), dbSNP rs2465307309, ClinGen allele CA346082262.